The following is an entry in ClinVar:

ClinVar aggregate classification (germline): Likely benign. Review status: criteria provided, multiple submitters, no conflicts (2 of 4 stars). 2 submissions from 2 submitters: Likely benign (2). Last evaluated 2026-01-01.

Conditions:
Inborn genetic diseases. Identifiers: MedGen C0950123, MeSH D030342.

Allele frequency attached by ClinVar (database versions not stated): ExAC 0.00008; gnomAD 0.00017; TOPMed 0.00019; gnomAD exomes 0.00033.
gnomAD v4.1: 486 of 1,547,478 alleles (0.031%); highest among the groups gnomAD compares: Non-Finnish European, 0.04%; no homozygotes.

Submissions (2):

CeGaT Center for Human Genetics Tuebingen
Classification: Likely benign. Last evaluated: 2026-01-01. Review status: criteria provided, single submitter. Criteria: CeGaT Center For Human Genetics Tuebingen Variant Classification Criteria Version 2. Collection method: clinical testing. Allele origin: germline. Affected: yes. Observed: 1 variant allele.
Comment: SETD1B: BS2

Ambry Genetics
Classification: Likely benign for Inborn genetic diseases. Last evaluated: 2022-03-16. Review status: criteria provided, single submitter. Criteria: Ambry Variant Classification Scheme 2023. Collection method: clinical testing. Allele origin: germline.

NM_001353345.2(SETD1B):c.1282T>C (p.Phe428Leu)

Gene: SETD1B (SET domain containing 1B, histone lysine methyltransferase; plus strand). Cytogenetic location: 12q24.31.
Variant type: single nucleotide variant.
Coding change: c.1282T>C on transcript NM_001353345.2 (MANE Select); coding-DNA position 1282, T replaced by C.
Protein change: p.Phe428Leu; replaces phenylalanine 428 with leucine.
Molecular consequence: missense variant.
Genome position (GRCh38, 1-based): chr12:121,810,227, T>C. VCF-style: chr12-121810227-T-C. GRCh37 (hg19) VCF-style: chr12-122248133-T-C.
Other names: NM_015048.1:c.1282T>C; short protein forms F428L.
Identifiers: ClinVar variation 2387671 (VCV002387671.6), dbSNP rs772622535, ClinGen allele CA6838851.
Genomic context (GRCh38, chr12:121,810,227, plus strand): 5'-CCTCCACCCCCGGAAGAGCCCACCGCCACAGCCGCTTTTGGGGCCCGCGACAGTGGGGAG[T>C]TCCGGAGGGCACCGGCGCCCCCACCCCTGCCACCTGCTGAGCCTCTGGCCAAGGAGAAGC-3'
Protein context (NP_001340274.1, residues 418-438): AAFGARDSGE[Phe428Leu]RRAPAPPPLP